The following is an entry in ClinVar:

ClinVar aggregate classification (germline): Uncertain significance (0 of 4 stars; one submission).

Conditions:
DNMT3A-related disorder. Also called: DNMT3A-related disorders; DNMT3A-related condition.

Submission:

PreventionGenetics, part of Exact Sciences
Classification: Uncertain significance for DNMT3A-related condition. Last evaluated: 2024-07-16. Review status: no assertion criteria provided. Collection method: clinical testing. Allele origin: germline.
Comment: The DNMT3A c.108dupC variant is predicted to result in a frameshift and premature protein termination (p.Thr37Hisfs*27). This variant is referred to as c.640-3735dup (intronic) with an alternate transcript NM_175629. To our knowledge, this variant has not been reported in the literature or in a large population database, indicating this variant is rare. At this time, the clinical significance of this variant is uncertain due to the absence of conclusive functional and genetic evidence.

NM_022552.5(DNMT3A):c.640-3735dup

Gene: DNMT3A (DNA methyltransferase 3 alpha; minus strand). Cytogenetic location: 2p23.3.
Variant type: Duplication.
Coding change: c.640-3735dup on transcript NM_022552.5 (MANE Select); 3735 bases into the intron before coding-DNA position 640, one base duplicated (C; older notation c.640-3735dupC).
Molecular consequence: intron variant. On other transcripts: frameshift variant (2).
Genome position (GRCh38, 1-based): chr2:25,251,987, G duplicated on the plus strand (C on the coding strand, the reverse complement: DNMT3A is on the minus strand); the first of 4 consecutive G bases (chr2:25,251,987-25,251,990); duplicating any one gives the same sequence. VCF-style (leftmost placement, unchanged base first): chr2-25251986-T-TG. GRCh37 (hg19) VCF-style: chr2-25474855-T-TG.
Other names: c.108dup, p.Thr37fs (NM_001320893.1); c.640-3735dup (NM_175629.2); c.4+207dup (NM_153759.3); c.-31+207dup (NM_001375819.1); c.108dupC (NM_001320893.1); short protein forms T37fs.
Identifiers: ClinVar variation 3354663 (VCV003354663.1).
Genomic context (GRCh38, chr2:25,251,986, plus strand): 5'-CCGGCCGGCTGCTCTTCCTGTCCCCCGAGGGCGCCAGGTGCCACTGGAGCCCTCGAGGAG[T>TG]GGGGCCTTGGGGCTCGTGGGCAGGAAGGCGGCGGGCCAGCACTAAGTCAGCATCTCCAGA-3'